The following is an entry in ClinVar:

NM_001754.5(RUNX1):c.1397T>C (p.Met466Thr)

Gene: RUNX1 (RUNX family transcription factor 1; minus strand). Cytogenetic location: 21q22.12.
Variant type: single nucleotide variant.
Coding change: c.1397T>C on transcript NM_001754.5 (MANE Select); coding-DNA position 1397, T replaced by C.
Protein change: p.Met466Thr; replaces methionine 466 with threonine.
Molecular consequence: missense variant.
Genome position (GRCh38, 1-based): chr21:34,792,181, A>G on the plus strand (T>C on the coding strand, the complement: RUNX1 is on the minus strand). VCF-style: chr21-34792181-A-G. GRCh37 (hg19) VCF-style: chr21-36164478-A-G.
Other names: NM_001754.5(RUNX1):c.1397T>C; p.Met466Thr; c.1316T>C, p.Met439Thr (NM_001001890.3); short protein forms M466T, M439T.
Identifiers: ClinVar variation 843935 (VCV000843935.12), dbSNP rs1329096939, ClinGen allele CA410146847.

ClinVar aggregate classification (germline): Uncertain significance. Review status: reviewed by expert panel (3 of 4 stars). 3 submissions from 3 submitters: Uncertain significance (1). 2 of the submissions do not count toward it. Last evaluated 2025-01-15.

Conditions:
Inborn genetic diseases. Identifiers: MedGen C0950123, MeSH D030342.
Hereditary thrombocytopenia and hematological cancer predisposition syndrome associated with RUNX1. Also called: PLATELET DISORDER, ASPIRIN-LIKE; Familial Platelet Disorder with Propensity to Acute Myelogenous Leukemia; Familial thrombocytopenia with propensity to acute myelogenous leukemia; RUNX1 Familial Platelet Disorder with Associated Myeloid Malignancies. Identifiers: Orphanet 71290, MedGen C1832388, MeSH C563324, MONDO:0100083, OMIM 601399.
Hereditary thrombocytopenia and hematologic cancer predisposition syndrome. Identifiers: Orphanet 71290, MedGen CN281654, MONDO:0011071.

gnomAD v4.1: 2 of 1,532,776 alleles (0.00013%); highest among the groups gnomAD compares: Non-Finnish European, 0.00017%; no homozygotes.

Submissions (3):

ClinGen Myeloid Malignancy Variant Curation Expert Panel
Classification: Uncertain significance for Hereditary thrombocytopenia and hematologic cancer predisposition syndrome. Last evaluated: 2025-01-15. Review status: reviewed by expert panel. Criteria: ClinGen MyeloMalig ACMG Specifications v2. Collection method: curation. Allele origin: germline. Inheritance: Autosomal dominant inheritance.
Comment: NM_001754.5(RUNX1):c.1397T>C (p.Met466Thr) is a missense variant. The highest population minor allele frequency is 0.001910% (1/52368) in the European(non-Finnish) subpopulation of gnomAD v2.1. However the coverage is poor in this region (15x) so BS1 can not be applied. One proband is reported in ClinGen but no phenotypic information was provided. This missense variant has a REVEL score <0.50 (0.246)(BP4). In summary, this variant meets criteria to be classified as a variant of uncertain significance. ACMG/AMP criteria applied, as specified by the Myeloid Malignancy Variant Curation Expert Panel for RUNX1: BP4.

Ambry Genetics
Classification: Uncertain significance for Inborn genetic diseases. Last evaluated: 2024-12-08. Review status: criteria provided, single submitter. Criteria: Ambry Variant Classification Scheme 2023. Collection method: clinical testing. Allele origin: germline. Not counted in ClinVar's aggregate classification.
Comment: The p.M466T variant (also known as c.1397T>C), located in coding exon 8 of the RUNX1 gene, results from a T to C substitution at nucleotide position 1397. The methionine at codon 466 is replaced by threonine, an amino acid with similar properties. This amino acid position is conserved. In addition, this alteration is predicted to be tolerated by in silico analysis. Based on the available evidence, the clinical significance of this variant remains unclear.

Labcorp Genetics (formerly Invitae), Labcorp
Classification: Uncertain significance for Hereditary thrombocytopenia and hematological cancer predisposition syndrome associated with RUNX1. Last evaluated: 2023-07-14. Review status: criteria provided, single submitter. Criteria: Invitae Variant Classification Sherloc (09022015). Collection method: clinical testing. Allele origin: germline. Not counted in ClinVar's aggregate classification.
Comment: ClinVar contains an entry for this variant (Variation ID: 843935). This variant has not been reported in the literature in individuals affected with RUNX1-related conditions. The frequency data for this variant in the population databases is considered unreliable, as metrics indicate poor data quality at this position in the gnomAD database. This sequence change replaces methionine, which is neutral and non-polar, with threonine, which is neutral and polar, at codon 466 of the RUNX1 protein (p.Met466Thr). Advanced modeling of protein sequence and biophysical properties (such as structural, functional, and spatial information, amino acid conservation, physicochemical variation, residue mobility, and thermodynamic stability) performed at Invitae indicates that this missense variant is not expected to disrupt RUNX1 protein function. In summary, the available evidence is currently insufficient to determine the role of this variant in disease. Therefore, it has been classified as a Variant of Uncertain Significance.